The following is an entry in ClinVar:

NM_001365088.1(SLC12A6):c.1752A>C (p.Gly584=)

Gene: SLC12A6 (solute carrier family 12 member 6; minus strand). Cytogenetic location: 15q14.
Variant type: single nucleotide variant.
Coding change: c.1752A>C on transcript NM_001365088.1 (MANE Select); coding-DNA position 1752, A replaced by C.
Protein change: p.Gly584=; no amino-acid change (glycine 584 retained).
Molecular consequence: synonymous variant.
Genome position (GRCh38, 1-based): chr15:34,245,765, T>G on the plus strand (A>C on the coding strand, the complement: SLC12A6 is on the minus strand). VCF-style: chr15-34245765-T-G. GRCh37 (hg19) VCF-style: chr15-34537966-T-G.
Other names: c.1575A>C, p.Gly525= (NM_001042494.2, NM_001042495.2); c.1725A>C, p.Gly575= (NM_001042496.2); c.1707A>C, p.Gly569= (NM_001042497.2); c.1599A>C, p.Gly533= (NM_005135.2); c.1752A>C, p.Gly584= (NM_133647.2).
Identifiers: ClinVar variation 315613 (VCV000315613.20), dbSNP rs186888172, ClinGen allele CA7464229.

ClinVar aggregate classification (germline): Benign/Likely benign. Review status: criteria provided, multiple submitters, no conflicts (2 of 4 stars). 5 submissions from 5 submitters: Benign (3); Likely benign (1). 1 of the submissions does not count toward it. Last evaluated 2026-01-28.

Conditions:
Inborn genetic diseases. Identifiers: MedGen C0950123, MeSH D030342.
Agenesis of the corpus callosum with peripheral neuropathy (ACCPN). Also called: CHARLEVOIX DISEASE; POLYNEUROPATHY, SENSORIMOTOR, WITH OR WITHOUT AGENESIS OF THE CORPUS CALLOSUM; HMSN/ACC; Hereditary Motor and Sensory Neuropathy with Agenesis of the Corpus Callosum. Identifiers: Orphanet 1496, MedGen C0795950, MONDO:0000902, OMIM 218000. Disease mechanism: loss of function.

Allele frequency attached by ClinVar (database versions not stated): gnomAD exomes 0.00035 and 0.00163; gnomAD 0.00067 and 0.00080; TOPMed 0.00096; ExAC 0.00151; 1000 Genomes Project 30x 0.00203; 1000 Genomes Project 0.00260.
gnomAD v4.1: 643 of 1,613,310 alleles (0.04%); highest among the groups gnomAD compares: East Asian, 1.3%; 7 homozygotes.

Submissions (5):

Labcorp Genetics (formerly Invitae), Labcorp
Classification: Benign. Last evaluated: 2026-01-28. Review status: criteria provided, single submitter. Criteria: Invitae Variant Classification Sherloc (09022015). Collection method: clinical testing. Allele origin: germline.

Ambry Genetics
Classification: Likely benign for Inborn genetic diseases. Last evaluated: 2022-04-19. Review status: criteria provided, single submitter. Criteria: Ambry Variant Classification Scheme 2023. Collection method: clinical testing. Allele origin: germline.

Genome-Nilou Lab
Classification: Benign for Agenesis of the corpus callosum with peripheral neuropathy. Last evaluated: 2021-07-15. Review status: criteria provided, single submitter. Criteria: ACMG Guidelines, 2015. Collection method: clinical testing. Allele origin: germline. Affected: no.

Illumina Laboratory Services, Illumina
Classification: Benign for Agenesis of the corpus callosum with peripheral neuropathy. Last evaluated: 2018-01-12. Review status: criteria provided, single submitter. Criteria: ICSL Variant Classification Criteria 13 December 2019. Collection method: clinical testing. Allele origin: germline.
Comment: This variant was observed in the ICSL laboratory as part of a predisposition screen in an ostensibly healthy population. It had not been previously curated by ICSL or reported in the Human Gene Mutation Database (HGMD: prior to June 1st, 2018), and was therefore a candidate for classification through an automated scoring system. Utilizing variant allele frequency, disease prevalence and penetrance estimates, and inheritance mode, an automated score was calculated to assess if this variant is too frequent to cause the disease. Based on the score and internal cut-off values, a variant classified as benign is not then subjected to further curation. The score for this variant resulted in a classification of benign for this disease.

Natera, Inc.
Classification: Benign for Andermann syndrome. Last evaluated: 2020-04-18. Review status: no assertion criteria provided. Collection method: clinical testing. Allele origin: germline. Not counted in ClinVar's aggregate classification.